The following is an entry in ClinVar:

ClinVar aggregate classification (germline): Likely benign. Review status: criteria provided, multiple submitters, no conflicts (2 of 4 stars). 3 submissions from 3 submitters: Likely benign (3). Last evaluated 2026-01-25.

Conditions:
Congenital hyperammonemia, type I. Also called: CPS I DEFICIENCY; Carbamoyl phosphate synthetase 1 deficiency; Hyperammonemia due to carbamoyl phosphate synthetase 1 deficiency; CPS 1 deficiency; Carbamyl phosphate synthetase (CPS) deficiency; Carbamoyl phosphate synthetase I deficiency disease. Identifiers: Orphanet 147, MedGen C4082171, MONDO:0009376, OMIM 237300.

Allele frequency attached by ClinVar (database versions not stated): gnomAD 0.00014 and 0.00015; 1000 Genomes Project 0.00020; ESP Exome Variant Server 0.00031; 1000 Genomes Project 30x 0.00016; TOPMed 0.00016.
gnomAD v4.1: 338 of 1,612,320 alleles (0.021%); highest among the groups gnomAD compares: Non-Finnish European, 0.027%; no homozygotes.

Submissions (3):

Labcorp Genetics (formerly Invitae), Labcorp
Classification: Likely benign for Congenital hyperammonemia, type I. Last evaluated: 2026-01-25. Review status: criteria provided, single submitter. Criteria: Invitae Variant Classification Sherloc (09022015). Collection method: clinical testing. Allele origin: germline.

Blueprint Genetics
Classification: Likely benign. Last evaluated: 2024-11-25. Review status: criteria provided, single submitter. Criteria: ACMG Guidelines, 2015. Collection method: clinical testing. Allele origin: germline.

GeneDx
Classification: Likely benign. Last evaluated: 2017-09-18. Review status: criteria provided, single submitter. Criteria: GeneDx Variant Classification (06012015). Collection method: clinical testing. Allele origin: germline. Affected: yes.
Comment: This variant is considered likely benign or benign based on one or more of the following criteria: it is a conservative change, it occurs at a poorly conserved position in the protein, it is predicted to be benign by multiple in silico algorithms, and/or has population frequency not consistent with disease.

NM_001875.5(CPS1):c.126+18T>A

Gene: CPS1 (carbamoyl-phosphate synthase 1; plus strand). Cytogenetic location: 2q34.
Variant type: single nucleotide variant.
Coding change: c.126+18T>A on transcript NM_001875.5 (MANE Select); 18 bases into the intron after coding-DNA position 126, T replaced by A.
Molecular consequence: intron variant.
Genome position (GRCh38, 1-based): chr2:210,556,877, T>A. VCF-style: chr2-210556877-T-A. GRCh37 (hg19) VCF-style: chr2-211421601-T-A.
Other names: c.126+18T>A (LRG_336t1, NM_001369257.1, NM_001122633.3); c.159+18T>A (NM_001369256.1).
Identifiers: ClinVar variation 511824 (VCV000511824.10), dbSNP rs201351777, ClinGen allele CA2085940.